The following is an entry in ClinVar:

ClinVar aggregate classification (germline): Likely benign (0 of 4 stars; one submission).

Conditions:
JMJD7-PLA2G4B-related disorder. Also called: JMJD7-PLA2G4B-related condition.

Allele frequency attached by ClinVar (database versions not stated): ESP Exome Variant Server 0.00008.
gnomAD v4.1: 2 of 1,608,204 alleles (0.00012%); highest among the groups gnomAD compares: South Asian, 0.0022%; no homozygotes.

Submission:

PreventionGenetics, part of Exact Sciences
Classification: Likely benign for JMJD7-PLA2G4B-related condition. Last evaluated: 2019-03-15. Review status: no assertion criteria provided. Collection method: clinical testing. Allele origin: germline.
Comment: This variant is classified as likely benign based on ACMG/AMP sequence variant interpretation guidelines (Richards et al. 2015 PMID: 25741868, with internal and published modifications).

NM_005090.4(JMJD7-PLA2G4B):c.3000C>G (p.Arg1000=)

Genes: JMJD7-PLA2G4B (JMJD7-PLA2G4B readthrough; plus strand), PLA2G4B (phospholipase A2 group IVB; plus strand). Cytogenetic location: 15q15.1.
Variant type: single nucleotide variant.
Coding change: c.3000C>G on transcript NM_005090.4; coding-DNA position 3000, C replaced by G.
Protein change: p.Arg1000=; no amino-acid change (arginine 1000 retained).
Molecular consequence: synonymous variant. On other transcripts: 3 prime UTR variant (1).
Genome position (GRCh38, 1-based): chr15:41,847,821, C>G. VCF-style: chr15-41847821-C-G. GRCh37 (hg19) VCF-style: chr15-42140019-C-G.
Other names: c.2307C>G, p.Arg769= (NM_001114633.2); c.*131C>G (NM_001198588.2).
Identifiers: ClinVar variation 3046758 (VCV003046758.2), dbSNP rs375408863, ClinGen allele CA269784758.
Genomic context (GRCh38, chr15:41,847,821, plus strand): 5'-GCTGCACCTGACACATTACAATGTCTGCAACAACCAGGAGCAGCTGCTGGAGGCTCTGCG[C>G]CAGGCAGTGCAGCGGAGGCGGCAGCGCAGGCCCCACTGATGGCCGGGGCCCCTGCCACCC-3'